The following is an entry in ClinVar:

NM_005518.4(HMGCS2):c.536G>A (p.Trp179Ter)

Gene: HMGCS2 (3-hydroxy-3-methylglutaryl-CoA synthase 2; minus strand). Cytogenetic location: 1p12.
Variant type: single nucleotide variant.
Coding change: c.536G>A on transcript NM_005518.4 (MANE Select); coding-DNA position 536, G replaced by A.
Protein change: p.Trp179Ter; replaces tryptophan 179 with a stop codon.
Molecular consequence: nonsense.
Genome position (GRCh38, 1-based): chr1:119,764,195, C>T on the plus strand (G>A on the coding strand, the complement: HMGCS2 is on the minus strand). VCF-style: chr1-119764195-C-T. GRCh37 (hg19) VCF-style: chr1-120306818-C-T.
Other names: c.536G>A, p.Trp179Ter (NM_001166107.1); short protein forms W179*.
Identifiers: ClinVar variation 4706223 (VCV004706223.1).

ClinVar aggregate classification (germline): Pathogenic (1 of 4 stars; one submission).

Conditions:
3-hydroxy-3-methylglutaryl-CoA synthase deficiency (HMGCS2D). Also called: HMG-CoA synthase-2 deficiency; MITOCHONDRIAL HMG-CoA SYNTHASE DEFICIENCY; HMGCS2 DEFICIENCY. Identifiers: Orphanet 35701, MedGen C2751532, MONDO:0011614, OMIM 605911.

Submission:

Labcorp Genetics (formerly Invitae), Labcorp
Classification: Pathogenic for 3-hydroxy-3-methylglutaryl-CoA synthase deficiency. Last evaluated: 2025-07-02. Review status: criteria provided, single submitter. Criteria: Invitae Variant Classification Sherloc (09022015). Collection method: clinical testing. Allele origin: germline.
Comment: This sequence change creates a premature translational stop signal (p.Trp179*) in the HMGCS2 gene. It is expected to result in an absent or disrupted protein product. Loss-of-function variants in HMGCS2 are known to be pathogenic (PMID: 20346956, 23751782, 25511235). This variant is present in population databases (no rsID available, gnomAD 0.003%). This variant has not been reported in the literature in individuals affected with HMGCS2-related conditions. For these reasons, this variant has been classified as Pathogenic.

Literature cited by the submitters: PubMed 20346956; PubMed 23751782; PubMed 25511235.